The following is an entry in ClinVar:

NM_000069.3(CACNA1S):c.730C>T (p.Pro244Ser)

Gene: CACNA1S (calcium voltage-gated channel subunit alpha1 S; minus strand). Cytogenetic location: 1q32.1.
Variant type: single nucleotide variant.
Coding change: c.730C>T on transcript NM_000069.3 (MANE Select); coding-DNA position 730, C replaced by T.
Protein change: p.Pro244Ser; replaces proline 244 with serine.
Molecular consequence: missense variant.
Genome position (GRCh38, 1-based): chr1:201,089,428, G>A on the plus strand (C>T on the coding strand, the complement: CACNA1S is on the minus strand). VCF-style: chr1-201089428-G-A. GRCh37 (hg19) VCF-style: chr1-201058556-G-A.
Other names: c.730C>T (NM_000069.2); short protein forms P244S.
Identifiers: ClinVar variation 1356784 (VCV001356784.9), dbSNP rs2102160639, ClinGen allele CA344136642.

ClinVar aggregate classification (germline): Uncertain significance. Review status: criteria provided, multiple submitters, no conflicts (2 of 4 stars). 2 submissions from 2 submitters: Uncertain significance (2). Last evaluated 2024-12-18.

Conditions:
Hypokalemic periodic paralysis, type 1. Also called: Hypokalemic Periodic Paralysis Type 1 (AD); HypoPP. Identifiers: Orphanet 681, MedGen C3714580, MONDO:0042979, OMIM 170400.
Malignant hyperthermia, susceptibility to, 5 (MHS5). Also called: CACNA1S-Related Malignant Hyperthermia Susceptibility. Identifiers: Orphanet 423, MedGen C1866077, MONDO:0011163, OMIM 601887.

gnomAD v4.1: 1 of 1,614,130 alleles (0.000062%); highest among the groups gnomAD compares: Non-Finnish European, 0.000085%; no homozygotes.

Submissions (2):

GeneDx
Classification: Uncertain significance. Last evaluated: 2024-12-18. Review status: criteria provided, single submitter. Criteria: GeneDx Variant Classification Process June 2021. Collection method: clinical testing. Allele origin: germline. Affected: yes.
Comment: Not observed at significant frequency in large population cohorts (gnomAD); In silico analysis supports that this missense variant has a deleterious effect on protein structure/function; Has not been previously published as pathogenic or benign to our knowledge

Labcorp Genetics (formerly Invitae), Labcorp
Classification: Uncertain significance for Hypokalemic periodic paralysis, type 1; Malignant hyperthermia, susceptibility to, 5. Last evaluated: 2021-01-16. Review status: criteria provided, single submitter. Criteria: Invitae Variant Classification Sherloc (09022015). Collection method: clinical testing. Allele origin: germline.
Comment: This variant is not present in population databases (ExAC no frequency). This sequence change replaces proline with serine at codon 244 of the CACNA1S protein (p.Pro244Ser). The proline residue is highly conserved and there is a moderate physicochemical difference between proline and serine. This variant has not been reported in the literature in individuals with CACNA1S-related conditions. Algorithms developed to predict the effect of missense changes on protein structure and function are either unavailable or do not agree on the potential impact of this missense change (SIFT: "Deleterious"; PolyPhen-2: "Probably Damaging"; Align-GVGD: "Class C0"). In summary, the available evidence is currently insufficient to determine the role of this variant in disease. Therefore, it has been classified as a Variant of Uncertain Significance.